The following is an entry in ClinVar:

NM_003924.4(PHOX2B):c.335A>T (p.Glu112Val)

Gene: PHOX2B (paired like homeobox 2B; minus strand). Cytogenetic location: 4p13.
Variant type: single nucleotide variant.
Coding change: c.335A>T on transcript NM_003924.4 (MANE Select); coding-DNA position 335, A replaced by T.
Protein change: p.Glu112Val; replaces glutamic acid 112 with valine.
Molecular consequence: missense variant.
Genome position (GRCh38, 1-based): chr4:41,747,443, T>A on the plus strand (A>T on the coding strand, the complement: PHOX2B is on the minus strand). VCF-style: chr4-41747443-T-A. GRCh37 (hg19) VCF-style: chr4-41749460-T-A.
Other names: short protein forms E112V.
Identifiers: ClinVar variation 535773 (VCV000535773.11), dbSNP rs1553898048, ClinGen allele CA356740243.

ClinVar aggregate classification (germline): Uncertain significance. Review status: criteria provided, multiple submitters, no conflicts (2 of 4 stars). 2 submissions from 2 submitters: Uncertain significance (2). Last evaluated 2024-10-23.

Conditions:
Hereditary cancer-predisposing syndrome. Also called: Neoplastic Syndromes, Hereditary; Tumor predisposition; Hereditary Cancer Syndrome; Hereditary neoplastic syndrome. Identifiers: Orphanet 140162, MedGen C0027672, MeSH D009386, MONDO:0015356.
Haddad syndrome (OHD). Also called: Ondine-Hirschsprung disease. Identifiers: Orphanet 99803, MedGen C1859049, MONDO:0020493.

Submissions (2):

Ambry Genetics
Classification: Uncertain significance for Hereditary cancer-predisposing syndrome. Last evaluated: 2024-10-23. Review status: criteria provided, single submitter. Criteria: Ambry Variant Classification Scheme 2023. Collection method: clinical testing. Allele origin: germline.
Comment: The p.E112V variant (also known as c.335A>T), located in coding exon 2 of the PHOX2B gene, results from an A to T substitution at nucleotide position 335. The glutamic acid at codon 112 is replaced by valine, an amino acid with dissimilar properties. This amino acid position is conserved. In addition, this alteration is predicted to be deleterious by in silico analysis. Based on the available evidence, the clinical significance of this variant remains unclear.

Labcorp Genetics (formerly Invitae), Labcorp
Classification: Uncertain significance for Haddad syndrome. Last evaluated: 2017-09-14. Review status: criteria provided, single submitter. Criteria: Invitae Variant Classification Sherloc (09022015). Collection method: clinical testing. Allele origin: germline.
Comment: This variant is not present in population databases (ExAC no frequency). In summary, the available evidence is currently insufficient to determine the role of this variant in disease. Therefore, it has been classified as a Variant of Uncertain Significance. Algorithms developed to predict the effect of missense changes on protein structure and function (SIFT, PolyPhen-2, Align-GVGD) all suggest that this variant is likely to be disruptive, but these predictions have not been confirmed by published functional studies and their clinical significance is uncertain. This variant has not been reported in the literature in individuals with PHOX2B-related disease. This sequence change replaces glutamic acid with valine at codon 112 of the PHOX2B protein (p.Glu112Val). The glutamic acid residue is highly conserved and there is a moderate physicochemical difference between glutamic acid and valine.